The following is an entry in ClinVar:

NM_000067.3(CA2):c.34G>A (p.Gly12Arg)

Genes: CA2 (carbonic anhydrase 2; plus strand), CA3-AS1 (CA3 antisense RNA 1; minus strand). Cytogenetic location: 8q21.2.
Variant type: single nucleotide variant.
Coding change: c.34G>A on transcript NM_000067.3 (MANE Select); coding-DNA position 34, G replaced by A.
Protein change: p.Gly12Arg; replaces glycine 12 with arginine.
Molecular consequence: missense variant. On other transcripts: 5 prime UTR variant (1).
Genome position (GRCh38, 1-based): chr8:85,464,115, G>A. VCF-style: chr8-85464115-G-A. GRCh37 (hg19) VCF-style: chr8-86376344-G-A.
Other names: c.-151G>A (NM_001293675.2); short protein forms G12R.
Identifiers: ClinVar variation 4713838 (VCV004713838.1).

ClinVar aggregate classification (germline): Uncertain significance (1 of 4 stars; one submission).

gnomAD v4.1: 1 of 1,542,050 alleles (0.000065%); highest among the groups gnomAD compares: South Asian, 0.0012%; no homozygotes.

Submission:

Labcorp Genetics (formerly Invitae), Labcorp
Classification: Uncertain significance. Last evaluated: 2025-02-26. Review status: criteria provided, single submitter. Criteria: Invitae Variant Classification Sherloc (09022015). Collection method: clinical testing. Allele origin: germline.
Comment: This sequence change replaces glycine, which is neutral and non-polar, with arginine, which is basic and polar, at codon 12 of the CA2 protein (p.Gly12Arg). This variant also falls at the last nucleotide of exon 1, which is part of the consensus splice site for this exon. This variant is not present in population databases (gnomAD no frequency). This variant has not been reported in the literature in individuals affected with CA2-related conditions. An algorithm developed to predict the effect of missense changes on protein structure and function (PolyPhen-2) suggests that this variant is likely to be disruptive. Variants that disrupt the consensus splice site are a relatively common cause of aberrant splicing (PMID: 17576681, 9536098). Algorithms developed to predict the effect of sequence changes on RNA splicing suggest that this variant may disrupt the consensus splice site. In summary, the available evidence is currently insufficient to determine the role of this variant in disease. Therefore, it has been classified as a Variant of Uncertain Significance.

Literature cited by the submitters: PubMed 17576681; PubMed 9536098.